The following is an entry in ClinVar:

NM_198576.4(AGRN):c.4382G>A (p.Arg1461Gln)

Gene: AGRN (agrin; plus strand). Cytogenetic location: 1p36.33.
Variant type: single nucleotide variant.
Coding change: c.4382G>A on transcript NM_198576.4 (MANE Select); coding-DNA position 4382, G replaced by A.
Protein change: p.Arg1461Gln; replaces arginine 1461 with glutamine.
Molecular consequence: missense variant.
Genome position (GRCh38, 1-based): chr1:1,049,319, G>A. VCF-style: chr1-1049319-G-A. GRCh37 (hg19) VCF-style: chr1-984699-G-A.
Other names: c.4382G>A, p.Arg1461Gln (NM_001305275.2); c.4067G>A, p.Arg1356Gln (NM_001364727.2); short protein forms R1356Q, R1461Q.
Identifiers: ClinVar variation 2171624 (VCV002171624.4), dbSNP rs1451237583, ClinGen allele CA337777224.

ClinVar aggregate classification (germline): Uncertain significance (1 of 4 stars; one submission).

Conditions:
Congenital myasthenic syndrome 8. Also called: Myasthenic syndrome, congenital, 8, with pre- and postsynaptic defects; MYASTHENIC SYNDROME, CONGENITAL, DUE TO AGRIN DEFICIENCY. Identifiers: Orphanet 590, MedGen C3808739, MONDO:0014052, OMIM 615120.

gnomAD v4.1: 14 of 1,597,784 alleles (0.00088%); highest among the groups gnomAD compares: South Asian, 0.0077%; no homozygotes.

Submission:

Labcorp Genetics (formerly Invitae), Labcorp
Classification: Uncertain significance for Congenital myasthenic syndrome 8. Last evaluated: 2022-01-14. Review status: criteria provided, single submitter. Criteria: Invitae Variant Classification Sherloc (09022015). Collection method: clinical testing. Allele origin: germline.
Comment: This sequence change replaces arginine, which is basic and polar, with glutamine, which is neutral and polar, at codon 1461 of the AGRN protein (p.Arg1461Gln). In summary, the available evidence is currently insufficient to determine the role of this variant in disease. Therefore, it has been classified as a Variant of Uncertain Significance. Algorithms developed to predict the effect of missense changes on protein structure and function are either unavailable or do not agree on the potential impact of this missense change (SIFT: "Deleterious"; PolyPhen-2: "Probably Damaging"; Align-GVGD: "Class C0"). This variant has not been reported in the literature in individuals affected with AGRN-related conditions. This variant is present in population databases (no rsID available, gnomAD 0.007%).